The following is an entry in ClinVar:

NM_001376.5(DYNC1H1):c.9020G>A (p.Arg3007Gln)

Genes: DYNC1H1 (dynein cytoplasmic 1 heavy chain 1; plus strand), LOC126862060 (BRD4-independent group 4 enhancer GRCh37_chr14:102493659-102494858; plus strand). Cytogenetic location: 14q32.31.
Variant type: single nucleotide variant.
Coding change: c.9020G>A on transcript NM_001376.5 (MANE Select); coding-DNA position 9020, G replaced by A.
Protein change: p.Arg3007Gln; replaces arginine 3007 with glutamine.
Molecular consequence: missense variant.
Genome position (GRCh38, 1-based): chr14:102,027,516, G>A. VCF-style: chr14-102027516-G-A. GRCh37 (hg19) VCF-style: chr14-102493853-G-A.
Other names: short protein forms R3007Q.
Identifiers: ClinVar variation 210886 (VCV000210886.8), dbSNP rs797045537, ClinGen allele CA207349.
Genomic context (GRCh38, chr14:102,027,516, plus strand): 5'-ATGAAAAGATAGCATTTATAATGGATGAATCTAATGTGTTAGATTCTGGATTCCTGGAGC[G>A]AATGAATACCCTTCTGGCCAATGGAGAGGTAATTAGGTGACGTGTTGCGTTGCATTACGT-3'
Protein context (NP_001367.2, residues 2997-3017): SNVLDSGFLE[Arg3007Gln]MNTLLANGEV

ClinVar aggregate classification (germline): Conflicting classifications of pathogenicity. Review status: criteria provided, conflicting classifications (1 of 4 stars). 2 submissions from 2 submitters: Uncertain significance (1); Likely benign (1). Last evaluated 2024-11-07.

Conditions:
Charcot-Marie-Tooth disease axonal type 2O. Also called: Charcot-Marie-Tooth Neuropathy Type 2O; CHARCOT-MARIE-TOOTH NEUROPATHY, AXONAL, TYPE 2O; CHARCOT-MARIE-TOOTH DISEASE, AXONAL, AUTOSOMAL DOMINANT, TYPE 2O; Charcot-Marie-Tooth disease, axonal, type 20. Identifiers: Orphanet 284232, MedGen C3280220, MONDO:0013644, OMIM 614228.

Allele frequency attached by ClinVar (database versions not stated): gnomAD exomes below 0.00001.
gnomAD v4.1: 1 of 1,614,154 alleles (0.000062%); highest among the groups gnomAD compares: Non-Finnish European, 0.000085%; no homozygotes.

Submissions (2):

Labcorp Genetics (formerly Invitae), Labcorp
Classification: Uncertain significance for Charcot-Marie-Tooth disease axonal type 2O. Last evaluated: 2024-11-07. Review status: criteria provided, single submitter. Criteria: Invitae Variant Classification Sherloc (09022015). Collection method: clinical testing. Allele origin: germline.
Comment: This sequence change replaces arginine, which is basic and polar, with glutamine, which is neutral and polar, at codon 3007 of the DYNC1H1 protein (p.Arg3007Gln). This variant is not present in population databases (gnomAD no frequency). This variant has not been reported in the literature in individuals affected with DYNC1H1-related conditions. ClinVar contains an entry for this variant (Variation ID: 210886). Invitae Evidence Modeling of protein sequence and biophysical properties (such as structural, functional, and spatial information, amino acid conservation, physicochemical variation, residue mobility, and thermodynamic stability) indicates that this missense variant is expected to disrupt DYNC1H1 protein function with a positive predictive value of 95%. In summary, the available evidence is currently insufficient to determine the role of this variant in disease. Therefore, it has been classified as a Variant of Uncertain Significance.

Genetic Services Laboratory, University of Chicago
Classification: Likely benign. Last evaluated: 2015-04-02. Review status: criteria provided, single submitter. Criteria: ACMG Guidelines, 2015. Collection method: clinical testing. Allele origin: germline.